The following is an entry in ClinVar:

NC_000007.13:g.(?_150674906)_(150675001_?)del

Gene: KCNH2 (potassium voltage-gated channel subfamily H member 2; minus strand). Cytogenetic location: 7q36.1.
Variant type: Deletion.
Identifiers: ClinVar variation 3245695 (VCV003245695.1).

ClinVar aggregate classification (germline): Pathogenic (1 of 4 stars; one submission).

Conditions:
Long QT syndrome (LQTS). Identifiers: MedGen C0023976, MeSH D008133, MONDO:0002442. Disease mechanism: loss of function. Inheritance: Various modes of inheritance.

Submission:

Labcorp Genetics (formerly Invitae), Labcorp
Classification: Pathogenic for Long QT syndrome. Last evaluated: 2023-12-16. Review status: criteria provided, single submitter. Criteria: Invitae Variant Classification Sherloc (09022015). Collection method: clinical testing. Allele origin: unknown.
Comment: This variant is a gross deletion of the genomic region encompassing exon(s) 1 of the KCNH2 gene, which includes the initiator codon. This deletion extends beyond the assayed region for this gene and therefore may encompass additional genes. It is expected to result in an absent or disrupted protein product. Loss-of-function variants in KCNH2 are known to be pathogenic (PMID: 10973849, 19862833). This variant has not been reported in the literature in individuals affected with KCNH2-related conditions. For these reasons, this variant has been classified as Pathogenic.

Literature cited by the submitters: PubMed 10973849; PubMed 19862833.